The following is an entry in ClinVar:

ClinVar aggregate classification (germline): Uncertain significance (1 of 4 stars; one submission).

Conditions:
Brugada syndrome. Also called: Sudden unexpected nocturnal death syndrome; Sudden unexplained nocturnal death syndrome; Sudden Unexplained Death Syndrome; Sudden Unexplained Nocturnal Death Syndrome (SUNDS). Identifiers: Orphanet 130, MedGen C1142166, MONDO:0015263.

Submission:

New York Genome Center
Classification: Uncertain significance for Brugada syndrome. Last evaluated: 2019-05-24. Review status: criteria provided, single submitter. Criteria: NYGC Assertion Criteria 2020. Collection method: clinical testing. Allele origin: paternal. Inheritance: Autosomal dominant inheritance. Affected: yes. Observed: 1 heterozygote. Study: CSER-NYCKidSeq. Segregation with disease observed.
Comment: The inherited c.65143C>G, p.Arg21715Gly novel missense variant has not been reported in the available literature. This variant is not present in gnomAD database indicating this is a rare allele. In silico tools predict the variant as pathogenic [PMID: 24681721]. Based on the available evidence, the inherited variant c.65143C>G, p.Arg21715Gly in the TTN gene is classified as variant of uncertain significance.

NM_001267550.2(TTN):c.65143C>G (p.Arg21715Gly)

Genes: TTN (titin; minus strand), TTN-AS1 (TTN antisense RNA 1; plus strand). Cytogenetic location: 2q31.2.
Variant type: single nucleotide variant.
Coding change: c.65143C>G on transcript NM_001267550.2 (MANE Select); coding-DNA position 65143, C replaced by G.
Protein change: p.Arg21715Gly; replaces arginine 21715 with glycine.
Molecular consequence: missense variant.
Genome position (GRCh38, 1-based): chr2:178,584,408, G>C on the plus strand (C>G on the coding strand, the complement: TTN is on the minus strand). VCF-style: chr2-178584408-G-C. GRCh37 (hg19) VCF-style: chr2-179449135-G-C.
Other names: c.60220C>G, p.Arg20074Gly (NM_001256850.1); c.37948C>G, p.Arg12650Gly (NM_003319.4); c.57439C>G, p.Arg19147Gly (NM_133378.4); c.38323C>G, p.Arg12775Gly (NM_133432.3); c.38524C>G, p.Arg12842Gly (NM_133437.4); short protein forms R12650G, R12775G, R12842G, R19147G, R20074G, R21715G.
Identifiers: ClinVar variation 992759 (VCV000992759.1), dbSNP rs766522121, ClinGen allele CA349435117.